The following is an entry in ClinVar:

Conditions:
Long QT syndrome 5 (LQT5). Identifiers: Orphanet 101016, Orphanet 768, MedGen C1867904, MONDO:0013372, OMIM 613695.

Submission:

Roden Lab, Vanderbilt University Medical Center
No classification provided (evidence only). Condition: Long QT syndrome 5. Review status: no classification provided. Collection method: in vitro. Allele origin: not applicable. Functional consequence: Effect on ion channel function.
ClinVar note: "not provided" was previously submitted as the classification for the variant. However, the classification appeared to be based only on an observation of functional data so it was converted to no classification on 2025-07-30.

NM_000219.6(KCNE1):c.85G>A (p.Gly29Ser)

Gene: KCNE1 (potassium voltage-gated channel subfamily E regulatory subunit 1; minus strand). Cytogenetic location: 21q22.12.
Variant type: single nucleotide variant.
Coding change: c.85G>A on transcript NM_000219.6 (MANE Select); coding-DNA position 85, G replaced by A.
Protein change: p.Gly29Ser; replaces glycine 29 with serine.
Molecular consequence: missense variant.
Genome position (GRCh38, 1-based): chr21:34,449,550, C>T on the plus strand (G>A on the coding strand, the complement: KCNE1 is on the minus strand). VCF-style: chr21-34449550-C-T. GRCh37 (hg19) VCF-style: chr21-35821848-C-T.
Other names: c.85G>A, p.Gly29Ser (NM_001127668.4, NM_001127669.4, NM_001127670.4 and 4 more transcripts); short protein forms G29S.
Identifiers: ClinVar variation 3374005 (VCV003374005.2).